The following is an entry in ClinVar:

NM_000071.3(CBS):c.1645G>C (p.Asp549His)

Gene: CBS (cystathionine beta-synthase; minus strand). Cytogenetic location: 21q22.3.
Variant type: single nucleotide variant.
Coding change: c.1645G>C on transcript NM_000071.3 (MANE Select); coding-DNA position 1645, G replaced by C.
Protein change: p.Asp549His; replaces aspartic acid 549 with histidine.
Molecular consequence: missense variant.
Genome position (GRCh38, 1-based): chr21:43,053,891, C>G on the plus strand (G>C on the coding strand, the complement: CBS is on the minus strand). VCF-style: chr21-43053891-C-G. GRCh37 (hg19) VCF-style: chr21-44474001-C-G.
Other names: c.1645G>C, p.Asp549His (NM_001178008.3, NM_001178009.3, NM_001320298.2); c.1330G>C, p.Asp444His (NM_001321072.1); short protein forms D444H, D549H.
Identifiers: ClinVar variation 3230225 (VCV003230225.1), dbSNP rs1980865900, ClinGen allele CA410394549.

ClinVar aggregate classification (germline): Uncertain significance (1 of 4 stars; one submission).

Conditions:
Familial thoracic aortic aneurysm and aortic dissection (TAAD). Also called: Thoracic aortic aneurysms and dissections. Identifiers: Orphanet 91387, MedGen C4707243, MONDO:0019625.

Submission:

Ambry Genetics
Classification: Uncertain significance for Familial thoracic aortic aneurysm and aortic dissection. Last evaluated: 2023-09-24. Review status: criteria provided, single submitter. Criteria: Ambry Variant Classification Scheme 2023. Collection method: clinical testing. Allele origin: germline.
Comment: The p.D549H variant (also known as c.1645G>C), located in coding exon 15 of the CBS gene, results from a G to C substitution at nucleotide position 1645. The aspartic acid at codon 549 is replaced by histidine, an amino acid with similar properties. This amino acid position is conserved. In addition, this alteration is predicted to be tolerated by in silico analysis. Since supporting evidence is limited at this time, the clinical significance of this alteration remains unclear.